The following is an entry in ClinVar:

ClinVar aggregate classification (germline): Uncertain significance (1 of 4 stars; one submission).

Conditions:
Dilated cardiomyopathy 1JJ (CMD1JJ). Identifiers: Orphanet 154, MedGen C3808935, MONDO:0014095, OMIM 615235.

Submission:

Labcorp Genetics (formerly Invitae), Labcorp
Classification: Uncertain significance for Dilated cardiomyopathy 1JJ. Last evaluated: 2025-05-25. Review status: criteria provided, single submitter. Criteria: Invitae Variant Classification Sherloc (09022015). Collection method: clinical testing. Allele origin: germline.
Comment: This sequence change affects a donor splice site in intron 13 of the LAMA4 gene. It is expected to disrupt RNA splicing. Variants that disrupt the donor or acceptor splice site typically lead to a loss of protein function (PMID: 16199547), however the current clinical and genetic evidence is not sufficient to establish whether loss-of-function variants in LAMA4 cause disease. This variant is not present in population databases (gnomAD no frequency). This variant has not been reported in the literature in individuals affected with LAMA4-related conditions. Algorithms developed to predict the effect of sequence changes on RNA splicing suggest that this variant may disrupt the consensus splice site. In summary, the available evidence is currently insufficient to determine the role of this variant in disease. Therefore, it has been classified as a Variant of Uncertain Significance.

Literature cited by the submitters: PubMed 16199547.

NM_001105206.3(LAMA4):c.1668+1G>A

Gene: LAMA4 (laminin subunit alpha 4; minus strand). Cytogenetic location: 6q21.
Variant type: single nucleotide variant.
Coding change: c.1668+1G>A on transcript NM_001105206.3 (MANE Select); the canonical splice donor site of the intron after coding-DNA position 1668, G replaced by A.
Molecular consequence: splice donor variant.
Genome position (GRCh38, 1-based): chr6:112,165,159, C>T on the plus strand (G>A on the coding strand, the complement: LAMA4 is on the minus strand). VCF-style: chr6-112165159-C-T. GRCh37 (hg19) VCF-style: chr6-112486361-C-T.
Other names: c.1647+1G>A (NM_002290.5, NM_001105207.3).
Identifiers: ClinVar variation 4719834 (VCV004719834.1).